The following is an entry in ClinVar:

NM_020166.5(MCCC1):c.260T>G (p.Met87Arg)

Gene: MCCC1 (methylcrotonyl-CoA carboxylase subunit 1; minus strand). Cytogenetic location: 3q27.1.
Variant type: single nucleotide variant.
Coding change: c.260T>G on transcript NM_020166.5 (MANE Select); coding-DNA position 260, T replaced by G.
Protein change: p.Met87Arg; replaces methionine 87 with arginine.
Molecular consequence: missense variant. On other transcripts: non-coding transcript variant (1), intron variant (2).
Genome position (GRCh38, 1-based): chr3:183,092,422, A>C on the plus strand (T>G on the coding strand, the complement: MCCC1 is on the minus strand). VCF-style: chr3-183092422-A-C. GRCh37 (hg19) VCF-style: chr3-182810210-A-C.
Other names: c.-55+2137T>G (NM_001363880.1); c.44+2137T>G (NM_001293273.2); short protein forms M87R.
Identifiers: ClinVar variation 1998516 (VCV001998516.4), dbSNP rs2530508950, ClinGen allele CA355321549.

ClinVar aggregate classification (germline): Uncertain significance (1 of 4 stars; one submission).

Conditions:
3-methylcrotonyl-CoA carboxylase 1 deficiency (MCC1D). Also called: MCCD TYPE 1; METHYLCROTONYLGLYCINURIA TYPE I; MCC 1 deficiency; 3 Alpha methylcrotonylglycinuria 1. Identifiers: Orphanet 6, MedGen CN028786, MONDO:0008861, OMIM 210200.

Submission:

Labcorp Genetics (formerly Invitae), Labcorp
Classification: Uncertain significance for 3-methylcrotonyl-CoA carboxylase 1 deficiency. Last evaluated: 2024-11-05. Review status: criteria provided, single submitter. Criteria: Invitae Variant Classification Sherloc (09022015). Collection method: clinical testing. Allele origin: germline.
Comment: This sequence change replaces methionine, which is neutral and non-polar, with arginine, which is basic and polar, at codon 87 of the MCCC1 protein (p.Met87Arg). This variant is not present in population databases (gnomAD no frequency). This variant has not been reported in the literature in individuals affected with MCCC1-related conditions. ClinVar contains an entry for this variant (Variation ID: 1998516). Invitae Evidence Modeling of protein sequence and biophysical properties (such as structural, functional, and spatial information, amino acid conservation, physicochemical variation, residue mobility, and thermodynamic stability) indicates that this missense variant is not expected to disrupt MCCC1 protein function with a negative predictive value of 80%. In summary, the available evidence is currently insufficient to determine the role of this variant in disease. Therefore, it has been classified as a Variant of Uncertain Significance.